The following is an entry in ClinVar:

ClinVar aggregate classification (germline): Benign (0 of 4 stars; one submission).

Conditions:
KDM3A-related disorder. Also called: KDM3A-related condition.

Allele frequency attached by ClinVar (database versions not stated): ExAC 0.01409; 1000 Genomes Project 0.01478; 1000 Genomes Project 30x 0.01546; gnomAD exomes 0.01705; gnomAD 0.02122; TOPMed 0.02330; ESP Exome Variant Server 0.02337.
gnomAD v4.1: 28,222 of 1,613,502 alleles (1.7%); highest among the groups gnomAD compares: African/African-American, 3.5%; 307 homozygotes.

Submission:

PreventionGenetics, part of Exact Sciences
Classification: Benign for KDM3A-related condition. Last evaluated: 2019-02-21. Review status: no assertion criteria provided. Collection method: clinical testing. Allele origin: germline.
Comment: This variant is classified as benign based on ACMG/AMP sequence variant interpretation guidelines (Richards et al. 2015 PMID: 25741868, with internal and published modifications).

NM_018433.6(KDM3A):c.2475C>T (p.Ala825=)

Gene: KDM3A (lysine demethylase 3A; plus strand). Cytogenetic location: 2p11.2.
Variant type: single nucleotide variant.
Coding change: c.2475C>T on transcript NM_018433.6 (MANE Select); coding-DNA position 2475, C replaced by T.
Protein change: p.Ala825=; no amino-acid change (alanine 825 retained).
Molecular consequence: synonymous variant.
Genome position (GRCh38, 1-based): chr2:86,480,325, C>T. VCF-style: chr2-86480325-C-T. GRCh37 (hg19) VCF-style: chr2-86707448-C-T.
Other names: c.2475C>T, p.Ala825= (NM_001146688.2).
Identifiers: ClinVar variation 3059436 (VCV003059436.2), dbSNP rs35269985, ClinGen allele CA1749691.